The following is an entry in ClinVar:

NM_001129.5(AEBP1):c.2306T>C (p.Val769Ala)

Gene: AEBP1 (AE binding protein 1; plus strand). Cytogenetic location: 7p13.
Variant type: single nucleotide variant.
Coding change: c.2306T>C on transcript NM_001129.5 (MANE Select); coding-DNA position 2306, T replaced by C.
Protein change: p.Val769Ala; replaces valine 769 with alanine.
Molecular consequence: missense variant.
Genome position (GRCh38, 1-based): chr7:44,112,646, T>C. VCF-style: chr7-44112646-T-C. GRCh37 (hg19) VCF-style: chr7-44152245-T-C.
Other names: short protein forms V769A.
Identifiers: ClinVar variation 1922228 (VCV001922228.4), dbSNP rs778576728, ClinGen allele CA4238175.

ClinVar aggregate classification (germline): Uncertain significance (1 of 4 stars; one submission).

Allele frequency attached by ClinVar (database versions not stated): gnomAD exomes below 0.00001; ExAC 0.00002; TOPMed 0.00002; gnomAD 0.00003.
gnomAD v4.1: 7 of 1,612,864 alleles (0.00043%); highest among the groups gnomAD compares: African/African-American, 0.0093%; no homozygotes.

Submission:

Labcorp Genetics (formerly Invitae), Labcorp
Classification: Uncertain significance. Last evaluated: 2024-06-12. Review status: criteria provided, single submitter. Criteria: Invitae Variant Classification Sherloc (09022015). Collection method: clinical testing. Allele origin: germline.
Comment: This sequence change replaces valine, which is neutral and non-polar, with alanine, which is neutral and non-polar, at codon 769 of the AEBP1 protein (p.Val769Ala). This variant is present in population databases (rs778576728, gnomAD 0.02%). This variant has not been reported in the literature in individuals affected with AEBP1-related conditions. ClinVar contains an entry for this variant (Variation ID: 1922228). An algorithm developed to predict the effect of missense changes on protein structure and function (PolyPhen-2) suggests that this variant is likely to be disruptive. In summary, the available evidence is currently insufficient to determine the role of this variant in disease. Therefore, it has been classified as a Variant of Uncertain Significance.